The following is an entry in ClinVar:

ClinVar aggregate classification (germline): Pathogenic. Review status: criteria provided, multiple submitters, no conflicts (2 of 4 stars). 2 submissions from 2 submitters: Pathogenic (2). Last evaluated 2025-12-29.

Conditions:
Multiple endocrine neoplasia, type 1 (MEN1). Also called: MEN I; WERMER SYNDROME; Endocrine adenomatosis multiple; MEN 1; MEA I. Identifiers: Orphanet 652, MedGen C0025267, MeSH D018761, MONDO:0007540, OMIM 131100.

Submissions (2):

Center for Genomic Medicine, Rigshospitalet, Copenhagen University Hospital
Classification: Pathogenic. Last evaluated: 2025-12-29. Review status: criteria provided, single submitter. Criteria: ACMG Guidelines, 2015. Collection method: clinical testing. Allele origin: germline.

Labcorp Genetics (formerly Invitae), Labcorp
Classification: Pathogenic for Multiple endocrine neoplasia, type 1. Last evaluated: 2017-08-27. Review status: criteria provided, single submitter. Criteria: Invitae Variant Classification Sherloc (09022015). Collection method: clinical testing. Allele origin: germline.
Comment: For these reasons, this variant has been classified as Pathogenic. This nonsense change truncates the functionally conserved NLS2 domain of the MEN1 protein. Experimental studies have shown that disruption of this region abrogates the ability of MEN1 to bind DNA, regulate target gene expression, and inhibit cell proliferation (PMID: 15331604, 16449969) This variant has been reported in an individual affected with multiple endocrine neoplasia 1 (MEN1) (PMID: 22026581). A different variant c.1413G>A giving rise to the same protein effect observed here (p.Trp471*) has been reported in a patient as well as a in a large family affected with MEN1-related disease (PMID: 10090472, 10435055). This variant is not present in population databases (ExAC no frequency). This sequence change results in a premature translational stop signal in the last exon of the MEN1 mRNA at codon 471 (p.Trp471*). While this is not anticipated to result in nonsense mediated decay, it is expected to create a truncated MEN1 protein.

Literature cited by the submitters: PubMed 22026581 (cited by Center for Genomic Medicine, Rigshospitalet, Copenhagen University Hospital and Labcorp Genetics (formerly Invitae), Labcorp); PubMed 15331604 (cited by Labcorp Genetics (formerly Invitae), Labcorp); PubMed 16449969 (cited by Labcorp Genetics (formerly Invitae), Labcorp); PubMed 10090472 (cited by Labcorp Genetics (formerly Invitae), Labcorp); PubMed 10435055 (cited by Labcorp Genetics (formerly Invitae), Labcorp).

NM_001370259.2(MEN1):c.1412G>A (p.Trp471Ter)

Gene: MEN1 (menin 1; minus strand). Cytogenetic location: 11q13.1.
Variant type: single nucleotide variant.
Coding change: c.1412G>A on transcript NM_001370259.2 (MANE Select); coding-DNA position 1412, G replaced by A.
Protein change: p.Trp471Ter; replaces tryptophan 471 with a stop codon.
Molecular consequence: nonsense.
Genome position (GRCh38, 1-based): chr11:64,804,755, C>T on the plus strand (G>A on the coding strand, the complement: MEN1 is on the minus strand). VCF-style: chr11-64804755-C-T. GRCh37 (hg19) VCF-style: chr11-64572227-C-T.
Other names: c.1412G>A, p.Trp471Ter (NM_130799.3, NM_001370260.2, NM_001370261.2); c.1427G>A, p.Trp476Ter (NM_130800.3, NM_130801.3, NM_130802.3 and 3 more transcripts); c.1538G>A, p.Trp513Ter (NM_001370251.2); c.1307G>A, p.Trp436Ter (NM_001370262.2, NM_001370263.2); short protein forms W471*, W476*, W436*, W513*.
Identifiers: ClinVar variation 403839 (VCV000403839.9), dbSNP rs1060499991, ClinGen allele CA16613444.